The following is an entry in ClinVar:

NM_004115.4(FGF14):c.167T>G (p.Leu56Arg)

Gene: FGF14 (fibroblast growth factor 14; minus strand). Cytogenetic location: 13q33.1.
Variant type: single nucleotide variant.
Coding change: c.167T>G on transcript NM_004115.4 (MANE Select); coding-DNA position 167, T replaced by G.
Protein change: p.Leu56Arg; replaces leucine 56 with arginine.
Molecular consequence: missense variant. On other transcripts: intron variant (21).
Genome position (GRCh38, 1-based): chr13:101,916,479, A>C on the plus strand (T>G on the coding strand, the complement: FGF14 is on the minus strand). VCF-style: chr13-101916479-A-C. GRCh37 (hg19) VCF-style: chr13-102568829-A-C.
Other names: c.53-41183T>G (NM_001321947.2); c.92-41183T>G (NM_001379342.1, NM_001321948.2, NM_001321945.2); c.-59-41183T>G (NM_001321946.2, NM_001321949.1, NM_001321943.1 and 4 more transcripts); c.14-41183T>G (NM_001321938.2, NM_001321940.1, NM_001321933.1); c.209-47651T>G (NM_001321939.2); c.209-41183T>G (NM_175929.3, NM_001321937.2); c.8-41183T>G (NM_001321941.2); c.5-41183T>G (NM_001321944.1, NM_001321936.1, NM_001321932.1); short protein forms L56R.
Identifiers: ClinVar variation 3772021 (VCV003772021.13).

ClinVar aggregate classification (germline): Uncertain significance (1 of 4 stars; one submission).

Submission:

CeGaT Center for Human Genetics Tuebingen
Classification: Uncertain significance. Last evaluated: 2024-12-01. Review status: criteria provided, single submitter. Criteria: CeGaT Center For Human Genetics Tuebingen Variant Classification Criteria Version 2. Collection method: clinical testing. Allele origin: germline. Affected: yes. Observed: 1 variant allele.
Comment: FGF14: PM2, BP4